The following is an entry in ClinVar:

ClinVar aggregate classification (germline): Conflicting classifications of pathogenicity. Review status: criteria provided, conflicting classifications (1 of 4 stars). 3 submissions from 3 submitters: Uncertain significance (2); Likely benign (1). Last evaluated 2025-06-17.

Allele frequency attached by ClinVar (database versions not stated): gnomAD exomes 0.00014 and 0.00035; ExAC 0.00040; ESP Exome Variant Server 0.00054; gnomAD 0.00058; TOPMed 0.00063; 1000 Genomes Project 30x 0.00094; 1000 Genomes Project 0.00120.
gnomAD v4.1: 303 of 1,614,178 alleles (0.019%); highest among the groups gnomAD compares: African/African-American, 0.17%; no homozygotes.

Submissions (3):

Labcorp Genetics (formerly Invitae), Labcorp
Classification: Uncertain significance. Last evaluated: 2025-06-17. Review status: criteria provided, single submitter. Criteria: Invitae Variant Classification Sherloc (09022015). Collection method: clinical testing. Allele origin: germline.
Comment: This sequence change replaces threonine, which is neutral and polar, with methionine, which is neutral and non-polar, at codon 1609 of the ANK3 protein (p.Thr1609Met). This variant is present in population databases (rs148024054, gnomAD 0.2%). This variant has not been reported in the literature in individuals affected with ANK3-related conditions. ClinVar contains an entry for this variant (Variation ID: 434170). Invitae Evidence Modeling of protein sequence and biophysical properties (such as structural, functional, and spatial information, amino acid conservation, physicochemical variation, residue mobility, and thermodynamic stability) indicates that this missense variant is not expected to disrupt ANK3 protein function with a negative predictive value of 80%. In summary, the available evidence is currently insufficient to determine the role of this variant in disease. Therefore, it has been classified as a Variant of Uncertain Significance.

CeGaT Center for Human Genetics Tuebingen
Classification: Likely benign. Last evaluated: 2022-08-01. Review status: criteria provided, single submitter. Criteria: CeGaT Center For Human Genetics Tuebingen Variant Classification Criteria Version 2. Collection method: clinical testing. Allele origin: germline. Affected: yes. Observed: 2 variant alleles.
Comment: ANK3: BP4

Genetic Services Laboratory, University of Chicago
Classification: Uncertain significance. Last evaluated: 2017-03-31. Review status: criteria provided, single submitter. Criteria: ACMG Guidelines, 2015. Collection method: clinical testing. Allele origin: germline. Affected: no.

NM_020987.5(ANK3):c.4826C>T (p.Thr1609Met)

Gene: ANK3 (ankyrin 3; minus strand). Cytogenetic location: 10q21.2.
Variant type: single nucleotide variant.
Coding change: c.4826C>T on transcript NM_020987.5 (MANE Select); coding-DNA position 4826, C replaced by T.
Protein change: p.Thr1609Met; replaces threonine 1609 with methionine.
Molecular consequence: missense variant. On other transcripts: intron variant (4).
Genome position (GRCh38, 1-based): chr10:60,076,055, G>A on the plus strand (C>T on the coding strand, the complement: ANK3 is on the minus strand). VCF-style: chr10-60076055-G-A. GRCh37 (hg19) VCF-style: chr10-61835813-G-A.
Other names: c.4387+4482C>T (NM_001204403.2); c.4408+4482C>T (NM_001204404.2); c.4405+4482C>T (NM_001320874.2); c.1807+4482C>T (NM_001149.4); short protein forms T1609M.
Identifiers: ClinVar variation 434170 (VCV000434170.43), dbSNP rs148024054, ClinGen allele CA5512104.